The following is an entry in ClinVar:

ClinVar aggregate classification (germline): Conflicting classifications of pathogenicity. Review status: criteria provided, conflicting classifications (1 of 4 stars). 7 submissions from 7 submitters: Uncertain significance (1); Likely benign (4). 2 of the submissions do not count toward it. Last evaluated 2026-01-20.

Conditions:
MYO7A-related disorder. Also called: MYO7A-related disorders.
Usher syndrome type 1B (USH1B). Also called: Usher syndrome type IB. Identifiers: MedGen C1848638, MONDO:0700087.

Allele frequency attached by ClinVar (database versions not stated): TOPMed 0.00089; 1000 Genomes Project 30x 0.00094; 1000 Genomes Project 0.00100.

Submissions (7):

Labcorp Genetics (formerly Invitae), Labcorp
Classification: Likely benign. Last evaluated: 2026-01-20. Review status: criteria provided, single submitter. Criteria: Invitae Variant Classification Sherloc (09022015). Collection method: clinical testing. Allele origin: germline.

Blueprint Genetics
Classification: Likely benign. Last evaluated: 2024-03-13. Review status: criteria provided, single submitter. Criteria: ACMG Guidelines, 2015. Collection method: clinical testing. Allele origin: germline.

GeneDx
Classification: Likely benign. Last evaluated: 2020-12-03. Review status: criteria provided, single submitter. Criteria: GeneDx Variant Classification Process June 2021. Collection method: clinical testing. Allele origin: germline. Affected: yes.

Laboratory for Molecular Medicine, Mass General Brigham Personalized Medicine
Classification: Likely benign. Last evaluated: 2017-01-17. Review status: criteria provided, single submitter. Criteria: LMM Criteria. Collection method: clinical testing. Allele origin: germline. Observed: 1 variant allele.
Comment: p.Arg1743Arg in exon 38 of MYO7A: This variant is not expected to have clinical significance because it does not alter an amino acid residue and is not located within the splice consensus sequence. It has been identified in 0.4% (7/1682) of African chromosomes by the Exome Aggregation Consortium (ExAC; dbSNP rs111033287).

Eurofins Ntd Llc (ga)
Classification: Uncertain significance. Last evaluated: 2016-02-26. Review status: criteria provided, single submitter. Criteria: EGL Classification Definitions 2015. Collection method: clinical testing. Allele origin: germline. Observed: 1 variant allele, 1 heterozygote.

Natera, Inc.
Classification: Likely benign for Usher syndrome type 1B. Last evaluated: 2020-01-30. Review status: no assertion criteria provided. Collection method: clinical testing. Allele origin: germline. Not counted in ClinVar's aggregate classification.

PreventionGenetics, part of Exact Sciences
Classification: Likely benign for MYO7A-related condition. Last evaluated: 2019-06-03. Review status: no assertion criteria provided. Collection method: clinical testing. Allele origin: germline. Not counted in ClinVar's aggregate classification.
Comment: This variant is classified as likely benign based on ACMG/AMP sequence variant interpretation guidelines (Richards et al. 2015 PMID: 25741868, with internal and published modifications).

NM_000260.4(MYO7A):c.5227C>A (p.Arg1743=)

Gene: MYO7A (myosin VIIA; plus strand). Cytogenetic location: 11q13.5.
Variant type: single nucleotide variant.
Coding change: c.5227C>A on transcript NM_000260.4 (MANE Select); coding-DNA position 5227, C replaced by A.
Protein change: p.Arg1743=; no amino-acid change (arginine 1743 retained).
Molecular consequence: synonymous variant.
Genome position (GRCh38, 1-based): chr11:77,203,118, C>A. VCF-style: chr11-77203118-C-A. GRCh37 (hg19) VCF-style: chr11-76914163-C-A.
Other names: c.5113C>A, p.Arg1705= (NM_001127180.2); c.5080C>A, p.Arg1694= (NM_001369365.1).
Identifiers: ClinVar variation 286095 (VCV000286095.25), dbSNP rs111033287, ClinGen allele CA6198650.